The following is an entry in ClinVar:

ClinVar aggregate classification (germline): Likely benign. Review status: criteria provided, single submitter (1 of 4 stars). 2 submissions from 2 submitters: Likely benign (1). 1 of the submissions does not count toward it. Last evaluated 2024-06-03.

Conditions:
ATP2B3-related disorder. Also called: ATP2B3-related condition.
Inborn genetic diseases. Identifiers: MedGen C0950123, MeSH D030342.

Allele frequency attached by ClinVar (database versions not stated): TOPMed 0.00001; gnomAD exomes 0.00002; gnomAD 0.00003; ExAC 0.00006; 1000 Genomes Project 30x 0.00021; 1000 Genomes Project 0.00026.
gnomAD v4.1: 21 of 1,211,227 alleles (0.0017%); highest among the groups gnomAD compares: East Asian, 0.062%; no homozygotes.

Submissions (2):

Ambry Genetics
Classification: Likely benign for Inborn genetic diseases. Last evaluated: 2024-06-03. Review status: criteria provided, single submitter. Criteria: Ambry Variant Classification Scheme 2023. Collection method: clinical testing. Allele origin: germline.

PreventionGenetics, part of Exact Sciences
Classification: Likely benign for ATP2B3-related condition. Last evaluated: 2023-06-08. Review status: no assertion criteria provided. Collection method: clinical testing. Allele origin: germline. Not counted in ClinVar's aggregate classification.
Comment: This variant is classified as likely benign based on ACMG/AMP sequence variant interpretation guidelines (Richards et al. 2015 PMID: 25741868, with internal and published modifications).

NM_001001344.3(ATP2B3):c.844A>C (p.Asn282His)

Gene: ATP2B3 (ATPase plasma membrane Ca2+ transporting 3; plus strand). Cytogenetic location: Xq28.
Variant type: single nucleotide variant.
Coding change: c.844A>C on transcript NM_001001344.3 (MANE Select); coding-DNA position 844, A replaced by C.
Protein change: p.Asn282His; replaces asparagine 282 with histidine.
Molecular consequence: missense variant.
Genome position (GRCh38, 1-based): chrX:153,543,096, A>C. VCF-style: chrX-153543096-A-C. GRCh37 (hg19) VCF-style: chrX-152808554-A-C.
Other names: c.844A>C, p.Asn282His (NM_001388360.1, NM_001388361.1, NM_001388362.1 and 2 more transcripts); short protein forms N282H.
Identifiers: ClinVar variation 3033053 (VCV003033053.3), dbSNP rs782282209, ClinGen allele CA10547584.